The following is an entry in ClinVar:

NM_006005.3(WFS1):c.38C>T (p.Pro13Leu)

Gene: WFS1 (wolframin ER transmembrane glycoprotein; plus strand). Cytogenetic location: 4p16.1.
Variant type: single nucleotide variant.
Coding change: c.38C>T on transcript NM_006005.3 (MANE Select); coding-DNA position 38, C replaced by T.
Protein change: p.Pro13Leu; replaces proline 13 with leucine.
Molecular consequence: missense variant.
Genome position (GRCh38, 1-based): chr4:6,277,493, C>T. VCF-style: chr4-6277493-C-T. GRCh37 (hg19) VCF-style: chr4-6279220-C-T.
Other names: c.38C>T, p.Pro13Leu (NM_001145853.1); short protein forms P13L.
Identifiers: ClinVar variation 3899024 (VCV003899024.2).

ClinVar aggregate classification (germline): Uncertain significance. Review status: criteria provided, multiple submitters, no conflicts (2 of 4 stars). 2 submissions from 2 submitters: Uncertain significance (2). Last evaluated 2025-03-12.

Submissions (2):

Labcorp Genetics (formerly Invitae), Labcorp
Classification: Uncertain significance. Last evaluated: 2025-03-12. Review status: criteria provided, single submitter. Criteria: Invitae Variant Classification Sherloc (09022015). Collection method: clinical testing. Allele origin: germline.
Comment: This sequence change replaces proline, which is neutral and non-polar, with leucine, which is neutral and non-polar, at codon 13 of the WFS1 protein (p.Pro13Leu). This variant is not present in population databases (gnomAD no frequency). This variant has not been reported in the literature in individuals affected with WFS1-related conditions. Invitae Evidence Modeling of protein sequence and biophysical properties (such as structural, functional, and spatial information, amino acid conservation, physicochemical variation, residue mobility, and thermodynamic stability) indicates that this missense variant is not expected to disrupt WFS1 protein function with a negative predictive value of 80%. In summary, the available evidence is currently insufficient to determine the role of this variant in disease. Therefore, it has been classified as a Variant of Uncertain Significance.

GeneDx
Classification: Uncertain significance. Last evaluated: 2024-11-06. Review status: criteria provided, single submitter. Criteria: GeneDx Variant Classification Process June 2021. Collection method: clinical testing. Allele origin: germline. Affected: yes.
Comment: Not observed at significant frequency in large population cohorts (gnomAD); In silico analysis indicates that this missense variant does not alter protein structure/function; Has not been previously published as pathogenic or benign to our knowledge